The following is an entry in ClinVar:

ClinVar aggregate classification (germline): Uncertain significance (1 of 4 stars; one submission).

Conditions:
Hereditary sensory and autonomic neuropathy type 6. Also called: Neuropathy, hereditary sensory and autonomic, type VI; HSAN VI. Identifiers: Orphanet 314381, MedGen C3539003, MONDO:0013839, OMIM 614653.
Epidermolysis bullosa simplex 3, localized or generalized intermediate, with BP230 deficiency (EBS3). Also called: Epidermolysis bullosa simplex due to BP230 deficiency; Epidermolysis bullosa simplex, autosomal recessive 2. Identifiers: Orphanet 412181, MedGen C3809470, MONDO:0014180, OMIM 615425.

Allele frequency attached by ClinVar (database versions not stated): gnomAD exomes below 0.00001; gnomAD 0.00001; TOPMed 0.00001.
gnomAD v4.1: 3 of 1,601,058 alleles (0.00019%); highest among the groups gnomAD compares: Non-Finnish European, 0.00026%; no homozygotes.

Submission:

Labcorp Genetics (formerly Invitae), Labcorp
Classification: Uncertain significance for Epidermolysis bullosa simplex 3, localized or generalized intermediate, with BP230 deficiency; Hereditary sensory and autonomic neuropathy type 6. Last evaluated: 2022-10-24. Review status: criteria provided, single submitter. Criteria: Invitae Variant Classification Sherloc (09022015). Collection method: clinical testing. Allele origin: germline.
Comment: The DST gene has multiple clinically relevant transcripts. This variant occurs in alternate transcript NM_015548.4, and corresponds to NM_001723.5:c.*113965G>A in the primary transcript. This sequence change replaces aspartic acid, which is acidic and polar, with asparagine, which is neutral and polar, at codon 3947 of the DST protein (p.Asp3947Asn). This variant is not present in population databases (gnomAD no frequency). This variant has not been reported in the literature in individuals affected with DST-related conditions. Experimental studies and prediction algorithms are not available or were not evaluated, and the functional significance of this variant is currently unknown. In summary, the available evidence is currently insufficient to determine the role of this variant in disease. Therefore, it has been classified as a Variant of Uncertain Significance.

NM_001374736.1(DST):c.19708G>A (p.Asp6570Asn)

Gene: DST (dystonin; minus strand). Cytogenetic location: 6p12.1.
Variant type: single nucleotide variant.
Coding change: c.19708G>A on transcript NM_001374736.1 (MANE Select); coding-DNA position 19708, G replaced by A.
Protein change: p.Asp6570Asn; replaces aspartic acid 6570 with asparagine.
Molecular consequence: missense variant.
Genome position (GRCh38, 1-based): chr6:56,501,552, C>T on the plus strand (G>A on the coding strand, the complement: DST is on the minus strand). VCF-style: chr6-56501552-C-T. GRCh37 (hg19) VCF-style: chr6-56366350-C-T.
Other names: c.13351G>A, p.Asp4451Asn (NM_001144769.5); c.12937G>A, p.Asp4313Asn (NM_001144770.2); c.19708G>A, p.Asp6570Asn (NM_001374722.1); c.18748G>A, p.Asp6250Asn (NM_001374729.1); c.12490G>A, p.Asp4164Asn (NM_001374730.1); c.19735G>A, p.Asp6579Asn (NM_001374734.1); c.12817G>A, p.Asp4273Asn (NM_001386100.1, NM_183380.4); c.11839G>A, p.Asp3947Asn (NM_015548.5); short protein forms D4164N, D4273N, D4313N, D4451N, D6250N, D6579N, D6570N, D3947N.
Identifiers: ClinVar variation 2169886 (VCV002169886.4), dbSNP rs1269170517, ClinGen allele CA364520431.